The following is an entry in ClinVar:

NM_000337.6(SGCD):c.337A>C (p.Asn113His)

Gene: SGCD (sarcoglycan delta; plus strand). Cytogenetic location: 5q33.3.
Variant type: single nucleotide variant.
Coding change: c.337A>C on transcript NM_000337.6 (MANE Select); coding-DNA position 337, A replaced by C.
Protein change: p.Asn113His; replaces asparagine 113 with histidine.
Molecular consequence: missense variant.
Genome position (GRCh38, 1-based): chr5:156,589,273, A>C. VCF-style: chr5-156589273-A-C. GRCh37 (hg19) VCF-style: chr5-156016283-A-C.
Other names: c.334A>C, p.Asn112His (NM_001128209.2); c.337A>C, p.Asn113His (NM_172244.3); short protein forms N112H, N113H.
Identifiers: ClinVar variation 1200963 (VCV001200963.6), dbSNP rs1760624404, ClinGen allele CA362008609.

ClinVar aggregate classification (germline): Uncertain significance. Review status: criteria provided, multiple submitters, no conflicts (2 of 4 stars). 4 submissions from 3 submitters: Uncertain significance (4). Last evaluated 2023-02-08.

Conditions:
Dilated cardiomyopathy 1L (CMD1L). Identifiers: Orphanet 154, MedGen C1847667, MONDO:0011702, OMIM 606685.
Autosomal recessive limb-girdle muscular dystrophy type 2F (LGMDR6). Also called: Muscular dystrophy limb-girdle with delta-sarcoglyan deficiency; MUSCULAR DYSTROPHY, LIMB-GIRDLE, AUTOSOMAL RECESSIVE 6. Identifiers: Orphanet 219, MedGen C1832525, MONDO:0011028, OMIM 601287. Disease mechanism: Affects gamma-sarcoglycan and also disrupts the integrity of the entire sarcoglycan complex..

Submissions (4):

Genome-Nilou Lab
Classification: Uncertain significance for Autosomal recessive limb-girdle muscular dystrophy type 2F. Last evaluated: 2023-02-08. Review status: criteria provided, single submitter. Criteria: ACMG Guidelines, 2015. Collection method: clinical testing. Allele origin: germline.

Genome-Nilou Lab
Classification: Uncertain significance for Dilated cardiomyopathy 1L. Last evaluated: 2023-02-08. Review status: criteria provided, single submitter. Criteria: ACMG Guidelines, 2015. Collection method: clinical testing. Allele origin: germline.

Labcorp Genetics (formerly Invitae), Labcorp
Classification: Uncertain significance for Autosomal recessive limb-girdle muscular dystrophy type 2F. Last evaluated: 2022-03-26. Review status: criteria provided, single submitter. Criteria: Invitae Variant Classification Sherloc (09022015). Collection method: clinical testing. Allele origin: germline.
Comment: This sequence change replaces asparagine, which is neutral and polar, with histidine, which is basic and polar, at codon 113 of the SGCD protein (p.Asn113His). This variant is not present in population databases (gnomAD no frequency). This variant has not been reported in the literature in individuals affected with SGCD-related conditions. ClinVar contains an entry for this variant (Variation ID: 1200963). Algorithms developed to predict the effect of missense changes on protein structure and function are either unavailable or do not agree on the potential impact of this missense change (SIFT: "Deleterious"; PolyPhen-2: "Probably Damaging"; Align-GVGD: "Class C0"). In summary, the available evidence is currently insufficient to determine the role of this variant in disease. Therefore, it has been classified as a Variant of Uncertain Significance.

GeneDx
Classification: Uncertain significance. Last evaluated: 2020-11-03. Review status: criteria provided, single submitter. Criteria: GeneDx Variant Classification Process June 2021. Collection method: clinical testing. Allele origin: germline. Affected: yes.
Comment: Has not been previously published as pathogenic or benign to our knowledge; In silico analysis, which includes protein predictors and evolutionary conservation, supports a deleterious effect; Not observed in large population cohorts (Lek et al., 2016)